The following is an entry in ClinVar:

NM_001363711.2(DUOX2):c.3103G>A (p.Val1035Met)

Gene: DUOX2 (dual oxidase 2; minus strand). Cytogenetic location: 15q21.1.
Variant type: single nucleotide variant.
Coding change: c.3103G>A on transcript NM_001363711.2 (MANE Select); coding-DNA position 3103, G replaced by A.
Protein change: p.Val1035Met; replaces valine 1035 with methionine.
Molecular consequence: missense variant.
Genome position (GRCh38, 1-based): chr15:45,100,131, C>T on the plus strand (G>A on the coding strand, the complement: DUOX2 is on the minus strand). VCF-style: chr15-45100131-C-T. GRCh37 (hg19) VCF-style: chr15-45392329-C-T.
Other names: c.3103G>A, p.Val1035Met (NM_014080.5); short protein forms V1035M.
Identifiers: ClinVar variation 886945 (VCV000886945.17), dbSNP rs138774384, ClinGen allele CA7538011.

ClinVar aggregate classification (germline): Conflicting classifications of pathogenicity. Review status: criteria provided, conflicting classifications (1 of 4 stars). 6 submissions from 6 submitters: Uncertain significance (4); Likely benign (2). Last evaluated 2026-01-18.

Conditions:
Congenital hypothyroidism. Identifiers: Orphanet 442, MedGen C0010308, MONDO:0018612, HP:0000851.
Thyroid dyshormonogenesis 6 (TDH6). Also called: Genetic transient congenital hypothyroidism; HYPOTHYROIDISM, CONGENITAL, DUE TO DYSHORMONOGENESIS, 6; THYROID HORMONOGENESIS, GENETIC DEFECT IN, 6. Identifiers: Orphanet 226316, Orphanet 95716, MedGen C1846632, MONDO:0011792, OMIM 607200.

Allele frequency attached by ClinVar (database versions not stated): gnomAD 0.00041 and 0.00043; ESP Exome Variant Server 0.00054; ExAC 0.00041; gnomAD exomes 0.00035; 1000 Genomes Project 30x 0.00062; 1000 Genomes Project 0.00040; TOPMed 0.00047.
gnomAD v4.1: 983 of 1,614,214 alleles (0.061%); highest among the groups gnomAD compares: Non-Finnish European, 0.077%; no homozygotes.

Submissions (6):

Labcorp Genetics (formerly Invitae), Labcorp
Classification: Likely benign. Last evaluated: 2026-01-18. Review status: criteria provided, single submitter. Criteria: Invitae Variant Classification Sherloc (09022015). Collection method: clinical testing. Allele origin: germline.

Women's Health and Genetics/Laboratory Corporation of America, LabCorp
Classification: Uncertain significance. Last evaluated: 2025-01-14. Review status: criteria provided, single submitter. Criteria: LabCorp Variant Classification Summary - May 2015. Collection method: clinical testing. Allele origin: germline.
Comment: Variant summary: DUOX2 c.3103G>A (p.Val1035Met) results in a conservative amino acid change in the encoded protein sequence. Three of five in-silico tools predict a damaging effect of the variant on protein function. The variant allele was found at a frequency of 0.00061 in 1614214 control chromosomes. This frequency is not significantly higher than estimated for a pathogenic variant in DUOX2 causing Thyroid Dyshormonogenesis 6, allowing no conclusion about variant significance. c.3103G>A has been reported in the literature in at least one individual affected with thyroid dyshormonogenesis (Garcia_2014) and in individuals with hearing loss but with unreported thyroid status (Lewis_2018) . These report(s) do not provide unequivocal conclusions about association of the variant with Thyroid Dyshormonogenesis 6. To our knowledge, no experimental evidence demonstrating an impact on protein function has been reported. The following publications have been ascertained in the context of this evaluation (PMID: 30180840, NO PMID: 10.3266/RevEspEndocrinolPediatr.pre2014.Apr.230). ClinVar contains an entry for this variant (Variation ID: 886945). Based on the evidence outlined above, the variant was classified as uncertain significance.

Cambridge Genomics Laboratory, East Genomic Laboratory Hub, NHS Genomic Medicine Service
Classification: Likely benign for Congenital hypothyroidism. Last evaluated: 2024-11-14. Review status: criteria provided, single submitter. Criteria: ACGS Best Practice Guidelines for Variant Classification in Rare Disease 2020. Collection method: clinical testing. Allele origin: germline. Affected: yes.
Comment: BS1_Strong,BP4

Blueprint Genetics
Classification: Uncertain significance. Last evaluated: 2024-10-28. Review status: criteria provided, single submitter. Criteria: ACMG Guidelines, 2015. Collection method: clinical testing. Allele origin: germline.

GeneDx
Classification: Uncertain significance. Last evaluated: 2022-02-22. Review status: criteria provided, single submitter. Criteria: GeneDx Variant Classification Process June 2021. Collection method: clinical testing. Allele origin: germline. Affected: yes.
Comment: Reported in multiple individuals with adult-onset hearing loss in the published literature (Lewis et al., 2018), but no specific information was provided about the patients with this variant or about other potential variants in gene(s) that could explain the phenotype in these patients; In silico analysis supports that this missense variant does not alter protein structure/function; This variant is associated with the following publications: (PMID: 30180840)

Illumina Laboratory Services, Illumina
Classification: Uncertain significance for Thyroid dyshormonogenesis 6. Last evaluated: 2018-01-13. Review status: criteria provided, single submitter. Criteria: ICSL Variant Classification Criteria 13 December 2019. Collection method: clinical testing. Allele origin: germline.

Literature cited by the submitters: PubMed 30180840 (cited by Women's Health and Genetics/Laboratory Corporation of America, LabCorp).